The following is an entry in ClinVar:

NM_001963.6(EGF):c.2433G>A (p.Val811=)

Gene: EGF (epidermal growth factor; plus strand). Cytogenetic location: 4q25.
Variant type: single nucleotide variant.
Coding change: c.2433G>A on transcript NM_001963.6 (MANE Select); coding-DNA position 2433, G replaced by A.
Protein change: p.Val811=; no amino-acid change (valine 811 retained).
Molecular consequence: synonymous variant.
Genome position (GRCh38, 1-based): chr4:109,983,483, G>A. VCF-style: chr4-109983483-G-A. GRCh37 (hg19) VCF-style: chr4-110904639-G-A.
Other names: p.Val811=; c.2433G>A, p.Val811= (NM_001178130.3); c.2307G>A, p.Val769= (NM_001178131.3, NM_001357021.2).
Identifiers: ClinVar variation 347247 (VCV000347247.29), dbSNP rs149396988, ClinGen allele CA3043970.

ClinVar aggregate classification (germline): Benign/Likely benign. Review status: criteria provided, multiple submitters, no conflicts (2 of 4 stars). 9 submissions from 9 submitters: Benign (2); Likely benign (4). 3 of the submissions do not count toward it. Last evaluated 2026-01-19.

Conditions:
EGF-related disorder. Also called: EGF-related condition.
Renal hypomagnesemia 4. Also called: HYPOMAGNESEMIA, RENAL, NORMOCALCIURIC. Identifiers: Orphanet 34527, MedGen C2673648, MONDO:0012717, OMIM 611718.

Allele frequency attached by ClinVar (database versions not stated): 1000 Genomes Project 30x 0.00078; 1000 Genomes Project 0.00080; TOPMed 0.00233; gnomAD 0.00304 and 0.00314; ESP Exome Variant Server 0.00308; gnomAD exomes 0.00366 and 0.00439; ExAC 0.00434.
gnomAD v4.1: 6,803 of 1,613,850 alleles (0.42%); highest among the groups gnomAD compares: Non-Finnish European, 0.52%; 23 homozygotes.

Submissions (9):

Labcorp Genetics (formerly Invitae), Labcorp
Classification: Benign. Last evaluated: 2026-01-19. Review status: criteria provided, single submitter. Criteria: Invitae Variant Classification Sherloc (09022015). Collection method: clinical testing. Allele origin: germline.

CeGaT Center for Human Genetics Tuebingen
Classification: Likely benign. Last evaluated: 2025-06-01. Review status: criteria provided, single submitter. Criteria: CeGaT Center For Human Genetics Tuebingen Variant Classification Criteria Version 2. Collection method: clinical testing. Allele origin: germline. Affected: yes. Observed: 1 variant allele.
Comment: EGF: BP4, BP7, BS2

Mayo Clinic Laboratories, Mayo Clinic
Classification: Benign. Last evaluated: 2024-06-13. Review status: criteria provided, single submitter. Criteria: ACMG Guidelines, 2015. Collection method: clinical testing. Allele origin: germline. Observed: 4 variant alleles.
Comment: BS1, BS2, BP4, BP7

GeneDx
Classification: Likely benign. Last evaluated: 2020-11-11. Review status: criteria provided, single submitter. Criteria: GeneDx Variant Classification Process June 2021. Collection method: clinical testing. Allele origin: germline. Affected: yes.

Illumina Laboratory Services, Illumina
Classification: Likely benign for Renal hypomagnesemia 4. Last evaluated: 2018-01-12. Review status: criteria provided, single submitter. Criteria: ICSL Variant Classification Criteria 13 December 2019. Collection method: clinical testing. Allele origin: germline.
Comment: This variant was observed in the ICSL laboratory as part of a predisposition screen in an ostensibly healthy population. It had not been previously curated by ICSL or reported in the Human Gene Mutation Database (HGMD: prior to June 1st, 2018), and was therefore a candidate for classification through an automated scoring system. Utilizing variant allele frequency, disease prevalence and penetrance estimates, and inheritance mode, an automated score was calculated to assess if this variant is too frequent to cause the disease. Based on the score and internal cut-off values, a variant classified as likely benign is not then subjected to further curation. The score for this variant resulted in a classification of likely benign for this disease.

Breakthrough Genomics
Classification: Likely benign. Review status: criteria provided, single submitter. Criteria: ACMG Guidelines, 2015. Collection method: not provided. Allele origin: germline. Inheritance: Autosomal recessive inheritance. Affected: yes.

PreventionGenetics, part of Exact Sciences
Classification: Likely benign for EGF-related condition. Last evaluated: 2024-08-14. Review status: no assertion criteria provided. Collection method: clinical testing. Allele origin: germline. Not counted in ClinVar's aggregate classification.
Comment: This variant is classified as likely benign based on ACMG/AMP sequence variant interpretation guidelines (Richards et al. 2015 PMID: 25741868, with internal and published modifications).

Clinical Genetics DNA and cytogenetics Diagnostics Lab, Erasmus MC, Erasmus Medical Center
Classification: Likely benign. Review status: no assertion criteria provided. Collection method: clinical testing. Allele origin: germline. Affected: yes. Study: VKGL Data-share Consensus. Not counted in ClinVar's aggregate classification.

Genome Diagnostics Laboratory, University Medical Center Utrecht
Classification: Likely benign. Review status: no assertion criteria provided. Collection method: clinical testing. Allele origin: germline. Affected: yes. Study: VKGL Data-share Consensus. Not counted in ClinVar's aggregate classification.